The following is an entry in ClinVar:

ClinVar aggregate classification (germline): Pathogenic (1 of 4 stars; one submission).

Conditions:
Hereditary spastic paraplegia 4. Also called: Spastic paraplegia 4, autosomal dominant; Familial spastic paraplegia autosomal dominant 2; Spastic Paraplegia 4. Identifiers: Orphanet 100985, MedGen C1866855, MONDO:0008438, OMIM 182601.

Submission:

Labcorp Genetics (formerly Invitae), Labcorp
Classification: Pathogenic for Hereditary spastic paraplegia 4. Last evaluated: 2024-01-17. Review status: criteria provided, single submitter. Criteria: Invitae Variant Classification Sherloc (09022015). Collection method: clinical testing. Allele origin: unknown.
Comment: This variant is a gross deletion of the genomic region encompassing exon(s) 4-8 of the SPAST gene. This deletion is out-of-frame, and is expected to create a premature termination codon and result in an absent or disrupted protein product. Loss-of-function variants in SPAST are known to be pathogenic (PMID: 20932283). This variant has not been reported in the literature in individuals affected with SPAST-related conditions. For these reasons, this variant has been classified as Pathogenic.

Literature cited by the submitters: PubMed 20932283.

NC_000002.11:g.(?_32323845)_(32352111_?)del

Gene: SPAST (spastin; plus strand). Cytogenetic location: 2p22.3.
Variant type: Deletion.
Identifiers: ClinVar variation 3247321 (VCV003247321.1).